The following is an entry in ClinVar:

NM_006912.6(RIT1):c.23T>C (p.Val8Ala)

Gene: RIT1 (Ras like without CAAX 1; minus strand). Cytogenetic location: 1q22.
Variant type: single nucleotide variant.
Coding change: c.23T>C on transcript NM_006912.6 (MANE Select); coding-DNA position 23, T replaced by C.
Protein change: p.Val8Ala; replaces valine 8 with alanine.
Molecular consequence: missense variant. On other transcripts: intron variant (1).
Genome position (GRCh38, 1-based): chr1:155,910,739, A>G on the plus strand (T>C on the coding strand, the complement: RIT1 is on the minus strand). VCF-style: chr1-155910739-A-G. GRCh37 (hg19) VCF-style: chr1-155880530-A-G.
Other names: c.74T>C (NM_001256821.1); c.74T>C, p.Val25Ala (NM_001256821.2); c.-2-233T>C (NM_001256820.2); short protein forms V25A, V8A.
Identifiers: ClinVar variation 2898525 (VCV002898525.5), dbSNP rs977203137, ClinGen allele CA342776508.

ClinVar aggregate classification (germline): Uncertain significance. Review status: criteria provided, single submitter (1 of 4 stars). 2 submissions from 2 submitters: Uncertain significance (1). 1 of the submissions does not count toward it. Last evaluated 2023-01-11.

Conditions:
RIT1-related disorder. Also called: RIT1-related condition.
Noonan syndrome 8 (NS8). Identifiers: Orphanet 648, MedGen C3809233, MONDO:0014143, OMIM 615355.

Allele frequency attached by ClinVar (database versions not stated): TOPMed 0.00001.
gnomAD v4.1: 1 of 1,614,248 alleles (0.000062%); no homozygotes.

Submissions (2):

Labcorp Genetics (formerly Invitae), Labcorp
Classification: Uncertain significance for Noonan syndrome 8. Last evaluated: 2023-01-11. Review status: criteria provided, single submitter. Criteria: Invitae Variant Classification Sherloc (09022015). Collection method: clinical testing. Allele origin: germline.
Comment: In summary, the available evidence is currently insufficient to determine the role of this variant in disease. Therefore, it has been classified as a Variant of Uncertain Significance. Algorithms developed to predict the effect of sequence changes on RNA splicing suggest that this variant may create or strengthen a splice site. Advanced modeling of protein sequence and biophysical properties (such as structural, functional, and spatial information, amino acid conservation, physicochemical variation, residue mobility, and thermodynamic stability) performed at Invitae indicates that this missense variant is not expected to disrupt RIT1 protein function. This variant has not been reported in the literature in individuals affected with RIT1-related conditions. This variant is not present in population databases (gnomAD no frequency). This sequence change replaces valine, which is neutral and non-polar, with alanine, which is neutral and non-polar, at codon 8 of the RIT1 protein (p.Val8Ala).

PreventionGenetics, part of Exact Sciences
Classification: Uncertain significance for RIT1-related condition. Last evaluated: 2023-12-12. Review status: no assertion criteria provided. Collection method: clinical testing. Allele origin: germline. Not counted in ClinVar's aggregate classification.
Comment: The RIT1 c.74T>C variant is predicted to result in the amino acid substitution p.Val25Ala. To our knowledge, this variant has not been reported in the literature or in a large population database, indicating this variant is rare. Although there are several pathogenic missense variants located near this amino acid (p.Lys23Gln, p.Lys23Glu, p.Lys23Arg, p.Lys23Asn, p.Lys23Asn) the Val25 amino acid is poorly conserved with at least one species with an alanine (Ala) present at this residue. At this time, the clinical significance of this variant is uncertain due to the absence of conclusive functional and genetic evidence.